The following is an entry in ClinVar:

NM_016356.5(DCDC2):c.402G>A (p.Pro134=)

Gene: DCDC2 (doublecortin domain containing 2; minus strand). Cytogenetic location: 6p22.3.
Variant type: single nucleotide variant.
Coding change: c.402G>A on transcript NM_016356.5 (MANE Select); coding-DNA position 402, G replaced by A.
Protein change: p.Pro134=; no amino-acid change (proline 134 retained).
Molecular consequence: synonymous variant.
Genome position (GRCh38, 1-based): chr6:24,301,991, C>T on the plus strand (G>A on the coding strand, the complement: DCDC2 is on the minus strand). VCF-style: chr6-24301991-C-T. GRCh37 (hg19) VCF-style: chr6-24302219-C-T.
Other names: p.Pro134=; c.402G>A, p.Pro134= (NM_001195610.2).
Identifiers: ClinVar variation 596798 (VCV000596798.20), dbSNP rs142088541, ClinGen allele CA3654782.

ClinVar aggregate classification (germline): Conflicting classifications of pathogenicity. Review status: criteria provided, conflicting classifications (1 of 4 stars). 5 submissions from 5 submitters: Uncertain significance (1); Likely benign (3). 1 of the submissions does not count toward it. Last evaluated 2025-11-16.

Conditions:
DCDC2-related disorder. Also called: DCDC2-related condition.
Autosomal recessive nonsyndromic hearing loss 66 (DFNB66). Also called: Deafness, autosomal recessive 66. Identifiers: Orphanet 90636, MedGen C1857750, MONDO:0012442, OMIM 610212.
Isolated neonatal sclerosing cholangitis (NSC). Also called: Sclerosing cholangitis, neonatal. Identifiers: Orphanet 480556, MedGen C4479344, MONDO:0018816, OMIM 617394.

Allele frequency attached by ClinVar (database versions not stated): ESP Exome Variant Server 0.00054; TOPMed 0.00060; gnomAD 0.00064; 1000 Genomes Project 0.00120; 1000 Genomes Project 30x 0.00172.
gnomAD v4.1: 184 of 1,613,938 alleles (0.011%); highest among the groups gnomAD compares: African/African-American, 0.2%; no homozygotes.

Submissions (5):

Labcorp Genetics (formerly Invitae), Labcorp
Classification: Likely benign for Autosomal recessive nonsyndromic hearing loss 66; Isolated neonatal sclerosing cholangitis. Last evaluated: 2025-11-16. Review status: criteria provided, single submitter. Criteria: Invitae Variant Classification Sherloc (09022015). Collection method: clinical testing. Allele origin: germline.

Mayo Clinic Laboratories, Mayo Clinic
Classification: Likely benign. Last evaluated: 2024-09-30. Review status: criteria provided, single submitter. Criteria: ACMG Guidelines, 2015. Collection method: clinical testing. Allele origin: germline. Observed: 1 variant allele.
Comment: BS1, BP4, BP7

GeneDx
Classification: Likely benign. Last evaluated: 2021-05-12. Review status: criteria provided, single submitter. Criteria: GeneDx Variant Classification Process June 2021. Collection method: clinical testing. Allele origin: germline. Affected: yes.

Eurofins Ntd Llc (ga)
Classification: Uncertain significance. Last evaluated: 2018-04-06. Review status: criteria provided, single submitter. Criteria: EGL ClinVar v180209 classification definitions. Collection method: clinical testing. Allele origin: germline. Observed: 1 variant allele, 1 heterozygote.

PreventionGenetics, part of Exact Sciences
Classification: Likely benign for DCDC2-related condition. Last evaluated: 2019-07-15. Review status: no assertion criteria provided. Collection method: clinical testing. Allele origin: germline. Not counted in ClinVar's aggregate classification.
Comment: This variant is classified as likely benign based on ACMG/AMP sequence variant interpretation guidelines (Richards et al. 2015 PMID: 25741868, with internal and published modifications).